The following is an entry in ClinVar:

NM_022089.4(ATP13A2):c.1079G>A (p.Gly360Glu)

Gene: ATP13A2 (ATPase cation transporting 13A2; minus strand). Cytogenetic location: 1p36.13.
Variant type: single nucleotide variant.
Coding change: c.1079G>A on transcript NM_022089.4 (MANE Select); coding-DNA position 1079, G replaced by A.
Protein change: p.Gly360Glu; replaces glycine 360 with glutamic acid.
Molecular consequence: missense variant.
Genome position (GRCh38, 1-based): chr1:16,997,136, C>T on the plus strand (G>A on the coding strand, the complement: ATP13A2 is on the minus strand). VCF-style: chr1-16997136-C-T. GRCh37 (hg19) VCF-style: chr1-17323631-C-T.
Other names: c.1064G>A, p.Gly355Glu (NM_001141973.3, NM_001141974.3); short protein forms G355E, G360E.
Identifiers: ClinVar variation 766995 (VCV000766995.14), dbSNP rs566918264, ClinGen allele CA637375.

ClinVar aggregate classification (germline): Conflicting classifications of pathogenicity. Review status: criteria provided, conflicting classifications (1 of 4 stars). 5 submissions from 5 submitters: Uncertain significance (2); Benign (1); Likely benign (2). Last evaluated 2026-01-25.

Conditions:
Kufor-Rakeb syndrome (KRS). Also called: PARKINSON DISEASE 9, AUTOSOMAL RECESSIVE, JUVENILE-ONSET. Identifiers: Orphanet 306674, Orphanet 314632, MedGen C1847640, MONDO:0011706, OMIM 606693.
Autosomal recessive spastic paraplegia type 78. Identifiers: Orphanet 513436, MedGen C5567893, MONDO:0014975, OMIM 617225.
Inborn genetic diseases. Identifiers: MedGen C0950123, MeSH D030342.

Allele frequency attached by ClinVar (database versions not stated): TOPMed 0.00006; gnomAD 0.00008 and 0.00010; ExAC 0.00015; gnomAD exomes 0.00021; 1000 Genomes Project 30x 0.00031; 1000 Genomes Project 0.00040.
gnomAD v4.1: 73 of 1,613,742 alleles (0.0045%); highest among the groups gnomAD compares: East Asian, 0.14%; no homozygotes.

Submissions (5):

Labcorp Genetics (formerly Invitae), Labcorp
Classification: Likely benign for Kufor-Rakeb syndrome; Autosomal recessive spastic paraplegia type 78. Last evaluated: 2026-01-25. Review status: criteria provided, single submitter. Criteria: Invitae Variant Classification Sherloc (09022015). Collection method: clinical testing. Allele origin: germline.

Ambry Genetics
Classification: Benign for Inborn genetic diseases. Last evaluated: 2024-10-30. Review status: criteria provided, single submitter. Criteria: Ambry Variant Classification Scheme 2023. Collection method: clinical testing. Allele origin: germline.

Blueprint Genetics
Classification: Uncertain significance. Last evaluated: 2023-10-17. Review status: criteria provided, single submitter. Criteria: ACMG Guidelines, 2015. Collection method: clinical testing. Allele origin: germline.

Women's Health and Genetics/Laboratory Corporation of America, LabCorp
Classification: Likely benign. Last evaluated: 2022-05-04. Review status: criteria provided, single submitter. Criteria: LabCorp Variant Classification Summary - May 2015. Collection method: clinical testing. Allele origin: germline.
Comment: Variant summary: ATP13A2 c.1079G>A (p.Gly360Glu) results in a non-conservative amino acid change in the encoded protein sequence. Three of five in-silico tools predict a benign effect of the variant on protein function. The variant allele was found at a frequency of 0.00021 in 250880 control chromosomes, predominantly at a frequency of 0.0028 within the East Asian subpopulation in the gnomAD database. The observed variant frequency within East Asian control individuals in the gnomAD database is approximately 15-fold of the estimated maximal expected allele frequency for a pathogenic variant in ATP13A2 causing Neurodegeneration with Brain Iron Accumulation phenotype (0.00019), strongly suggesting that the variant is a benign polymorphism found primarily in populations of East Asian origin. The variant, c.1079G>A, has been reported in the literature in heterozygous state in Chinese individuals affected with early-onset Parkinson's disease, but was also found in age-matched healthy controls (Shen_2018). To our knowledge, no experimental evidence demonstrating an impact on protein function has been reported. Two clinical diagnostic laboratories have submitted clinical-significance assessments for this variant to ClinVar after 2014 without evidence for independent evaluation. One laboratory classified the variant as likely benign, while the other laboratory classified the variant as uncertain significance. Based on the evidence outlined above, the variant was classified as likely benign.

Illumina Laboratory Services, Illumina
Classification: Uncertain significance for Kufor-Rakeb syndrome. Last evaluated: 2018-01-12. Review status: criteria provided, single submitter. Criteria: ICSL Variant Classification Criteria 13 December 2019. Collection method: clinical testing. Allele origin: germline.

Literature cited by the submitters: PubMed 30232368 (cited by Women's Health and Genetics/Laboratory Corporation of America, LabCorp).